The following is an entry in ClinVar:

NM_002550.3(OR3A1):c.465T>C (p.Ala155=)

Genes: OR3A1 (olfactory receptor family 3 subfamily A member 1; minus strand), OR3A2 (olfactory receptor family 3 subfamily A member 2; minus strand). Cytogenetic location: 17p13.3.
Variant type: single nucleotide variant.
Coding change: c.465T>C on transcript NM_002550.3 (MANE Select); coding-DNA position 465, T replaced by C.
Protein change: p.Ala155=; no amino-acid change (alanine 155 retained).
Molecular consequence: synonymous variant. On other transcripts: intron variant (1).
Genome position (GRCh38, 1-based): chr17:3,292,118, A>G on the plus strand (T>C on the coding strand, the complement: OR3A1 is on the minus strand). VCF-style: chr17-3292118-A-G. GRCh37 (hg19) VCF-style: chr17-3195412-A-G.
Other names: c.-278-7567T>C (NM_002551.5).
Identifiers: ClinVar variation 2647230 (VCV002647230.24), dbSNP rs1408859011, ClinGen allele CA497657656.

ClinVar aggregate classification (germline): Likely benign (1 of 4 stars; one submission).

Allele frequency attached by ClinVar (database versions not stated): gnomAD exomes below 0.00001; gnomAD 0.00001.
gnomAD v4.1: 7 of 1,614,050 alleles (0.00043%); highest among the groups gnomAD compares: Middle Eastern, 0.033%; no homozygotes.

Submission:

CeGaT Center for Human Genetics Tuebingen
Classification: Likely benign. Last evaluated: 2022-09-01. Review status: criteria provided, single submitter. Criteria: CeGaT Center For Human Genetics Tuebingen Variant Classification Criteria Version 2. Collection method: clinical testing. Allele origin: germline. Affected: yes. Observed: 1 variant allele.
Comment: OR3A1: BP4, BP7